The following is an entry in ClinVar:

ClinVar aggregate classification (germline): Uncertain significance (1 of 4 stars; one submission).

Conditions:
Carney complex, type 1 (CNC1). Also called: CARNEY COMPLEX, TYPE I; CARNEY MYXOMA-ENDOCRINE COMPLEX. Identifiers: Orphanet 1359, MedGen C2607929, MONDO:0008057, OMIM 160980.

Submission:

Labcorp Genetics (formerly Invitae), Labcorp
Classification: Uncertain significance for Carney complex, type 1. Last evaluated: 2023-04-14. Review status: criteria provided, single submitter. Criteria: Invitae Variant Classification Sherloc (09022015). Collection method: clinical testing. Allele origin: germline.
Comment: In summary, the available evidence is currently insufficient to determine the role of this variant in disease. Therefore, it has been classified as a Variant of Uncertain Significance. An algorithm developed to predict the effect of missense changes on protein structure and function (PolyPhen-2) suggests that this variant is likely to be disruptive. This missense change has been observed in individual(s) with clinical features of PRKAR1A-related conditions (Invitae). Information on the frequency of this variant in the gnomAD database is not available, as this variant may be reported differently in the database. This sequence change replaces cysteine, which is neutral and slightly polar, with phenylalanine, which is neutral and non-polar, at codon 347 of the PRKAR1A protein (p.Cys347Phe).

NM_002734.5(PRKAR1A):c.1040_1041delinsTT (p.Cys347Phe)

Gene: PRKAR1A (protein kinase cAMP-dependent type I regulatory subunit alpha; plus strand). Cytogenetic location: 17q24.2.
Variant type: Indel.
Coding change: c.1040_1041delinsTT on transcript NM_002734.5 (MANE Select); coding-DNA positions 1040 to 1041, GC replaced by TT.
Protein change: p.Cys347Phe; replaces cysteine 347 with phenylalanine.
Molecular consequence: missense variant. On other transcripts: intron variant (1).
Genome position (GRCh38, 1-based): chr17:68,530,343-68,530,344, GC replaced by TT. VCF-style: chr17-68530343-GC-TT. GRCh37 (hg19) VCF-style: chr17-66526484-GC-TT.
Other names: c.1040_1041delinsTT, p.Cys347Phe (NM_001276289.2, NM_001278433.2, NM_001369389.1 and 3 more transcripts); c.973+342_973+343delinsTT (NM_001276290.1); short protein forms C347F.
Identifiers: ClinVar variation 2845167 (VCV002845167.3), dbSNP rs2509446765, ClinGen allele CA2739265744.